The following is an entry in ClinVar:

ClinVar aggregate classification (germline): Uncertain significance. Review status: criteria provided, multiple submitters, no conflicts (2 of 4 stars). 2 submissions from 2 submitters: Uncertain significance (2). Last evaluated 2023-09-26.

Submissions (2):

Blueprint Genetics
Classification: Uncertain significance. Last evaluated: 2023-09-26. Review status: criteria provided, single submitter. Criteria: ACMG Guidelines, 2015. Collection method: clinical testing. Allele origin: germline.

Labcorp Genetics (formerly Invitae), Labcorp
Classification: Uncertain significance. Last evaluated: 2022-05-21. Review status: criteria provided, single submitter. Criteria: Invitae Variant Classification Sherloc (09022015). Collection method: clinical testing. Allele origin: germline.
Comment: In summary, the available evidence is currently insufficient to determine the role of this variant in disease. Therefore, it has been classified as a Variant of Uncertain Significance. ClinVar contains an entry for this variant (Variation ID: 1008008). This variant has not been reported in the literature in individuals affected with SAMD11-related conditions. The frequency data for this variant in the population databases is considered unreliable, as metrics indicate poor data quality at this position in the gnomAD database. This sequence change creates a premature translational stop signal (p.Gln413Profs*42) in the SAMD11 gene. It is expected to result in an absent or disrupted protein product. However, the current clinical and genetic evidence is not sufficient to establish whether loss-of-function variants in SAMD11 cause disease.

NM_001385641.1(SAMD11):c.1726dup (p.Gln576fs)

Gene: SAMD11 (sterile alpha motif domain containing 11; plus strand). Cytogenetic location: 1p36.33.
Variant type: Duplication.
Coding change: c.1726dup on transcript NM_001385641.1 (MANE Select); coding-DNA position 1726, one base duplicated (C; older notation c.1726dupC).
Protein change: p.Gln576fs; shifts the reading frame from glutamine 576.
Molecular consequence: frameshift variant.
Genome position (GRCh38, 1-based): chr1:942,731, C duplicated; the last of 7 consecutive C bases (chr1:942,725-942,731); duplicating any one gives the same sequence. VCF-style (leftmost placement, unchanged base first): chr1-942724-G-GC. GRCh37 (hg19) VCF-style: chr1-878104-G-GC.
Other names: c.1729dup, p.Gln577fs (NM_001385640.1); c.1237dup, p.Gln413fs (NM_152486.4); short protein forms Q413fs, Q576fs, Q577fs.
Identifiers: ClinVar variation 1008008 (VCV001008008.7), dbSNP rs1223597129, ClinGen allele CA520630708.
Genomic context (GRCh38, chr1:942,724, plus strand): 5'-GCTGCAGCGGCGCGGGGCCCTGCTGGTGCTGAACCACGGCGCGGCGCCACTGCTGGCCCT[G>GC]CCCCCCCAGGGGCCCCCGGGCTCCGGACCCCCCACCCCGTCCCGGGACTCTGCCCGGCGA-3'